The following is an entry in ClinVar:

ClinVar aggregate classification (germline): Uncertain significance (1 of 4 stars; one submission).

Conditions:
Neuropathy, hereditary sensory and autonomic, type 2A (HSAN2A). Also called: WNK1-Related HSAN2 (HSAN2A); ACROOSTEOLYSIS, GIACCAI TYPE; ACROOSTEOLYSIS, NEUROGENIC; MORVAN DISEASE; NEUROPATHY, CONGENITAL SENSORY; NEUROPATHY, HEREDITARY SENSORY RADICULAR, AUTOSOMAL RECESSIVE. Identifiers: Orphanet 970, MedGen C2752089, MONDO:0024309, OMIM 201300.
Generalized epilepsy with febrile seizures plus, type 7 (GEFSP7). Also called: GEFS+, TYPE 7. Identifiers: Orphanet 36387, MedGen C2751778, MONDO:0013470, OMIM 613863.

Submission:

Labcorp Genetics (formerly Invitae), Labcorp
Classification: Uncertain significance for Neuropathy, hereditary sensory and autonomic, type 2A; Generalized epilepsy with febrile seizures plus, type 7. Last evaluated: 2024-12-22. Review status: criteria provided, single submitter. Criteria: Invitae Variant Classification Sherloc (09022015). Collection method: clinical testing. Allele origin: germline.
Comment: This sequence change creates a premature translational stop signal (p.Lys1957Argfs*4) in the SCN9A gene. While this is not anticipated to result in nonsense mediated decay, it is expected to disrupt the last 21 amino acid(s) of the SCN9A protein. This variant is not present in population databases (gnomAD no frequency). This variant has not been reported in the literature in individuals affected with SCN9A-related conditions. This premature translational stop signal has been observed in at least one individual who was not affected with SCN9A-related conditions (internal data). ClinVar contains an entry for this variant (Variation ID: 408579). In summary, the available evidence is currently insufficient to determine the role of this variant in disease. Therefore, it has been classified as a Variant of Uncertain Significance.

NM_001365536.1(SCN9A):c.5897_5900dup (p.Lys1968fs)

Genes: SCN9A (sodium voltage-gated channel alpha subunit 9; minus strand), SCN1A-AS1 (SCN1A and SCN9A antisense RNA 1; plus strand). Cytogenetic location: 2q24.3.
Variant type: Duplication.
Coding change: c.5897_5900dup on transcript NM_001365536.1 (MANE Select); coding-DNA positions 5897 to 5900, 4 bases duplicated (AAGA; older notation c.5897_5900dupAAGA).
Protein change: p.Lys1968fs; shifts the reading frame from lysine 1968.
Molecular consequence: frameshift variant.
Genome position (GRCh38, 1-based): chr2:166,198,739-166,198,742, TCTT duplicated on the plus strand (AAGA on the coding strand, the reverse complement: SCN9A is on the minus strand); duplicating any 4 consecutive bases within chr2:166,198,739-166,198,743 gives the same sequence; the c. name uses the placement nearest the transcript's 3' end. VCF-style (leftmost placement, unchanged base first): chr2-166198738-C-CTCTT. GRCh37 (hg19) VCF-style: chr2-167055248-C-CTCTT.
Other names: c.5864_5867dupAAGA (NM_002977.3); c.5863_5866dup, p.Lys1957Argfs (NM_002977.4); short protein forms K1968fs, K1957fs.
Identifiers: ClinVar variation 408579 (VCV000408579.9), dbSNP rs1060502049, ClinGen allele CA16610254.